The following is an entry in ClinVar:

ClinVar aggregate classification (germline): Uncertain significance (1 of 4 stars; one submission).

Conditions:
Emery-Dreifuss muscular dystrophy 5, autosomal dominant (EDMD5). Also called: EMERY-DREIFUSS MUSCULAR DYSTROPHY 5. Identifiers: Orphanet 261, MedGen C2751805, MONDO:0013072, OMIM 612999.

Allele frequency attached by ClinVar (database versions not stated): gnomAD exomes below 0.00001.

Submission:

Labcorp Genetics (formerly Invitae), Labcorp
Classification: Uncertain significance for Emery-Dreifuss muscular dystrophy 5, autosomal dominant. Last evaluated: 2022-10-14. Review status: criteria provided, single submitter. Criteria: Invitae Variant Classification Sherloc (09022015). Collection method: clinical testing. Allele origin: germline.
Comment: In summary, the available evidence is currently insufficient to determine the role of this variant in disease. Therefore, it has been classified as a Variant of Uncertain Significance. This sequence change replaces valine, which is neutral and non-polar, with alanine, which is neutral and non-polar, at codon 2782 of the SYNE2 protein (p.Val2782Ala). This variant is not present in population databases (gnomAD no frequency). This variant has not been reported in the literature in individuals affected with SYNE2-related conditions. ClinVar contains an entry for this variant (Variation ID: 1374477). Algorithms developed to predict the effect of missense changes on protein structure and function (SIFT, PolyPhen-2, Align-GVGD) all suggest that this variant is likely to be tolerated.

NM_182914.3(SYNE2):c.8345T>C (p.Val2782Ala)

Gene: SYNE2 (spectrin repeat containing nuclear envelope protein 2; plus strand). Cytogenetic location: 14q23.2.
Variant type: single nucleotide variant.
Coding change: c.8345T>C on transcript NM_182914.3 (MANE Select); coding-DNA position 8345, T replaced by C.
Protein change: p.Val2782Ala; replaces valine 2782 with alanine.
Molecular consequence: missense variant.
Genome position (GRCh38, 1-based): chr14:64,052,258, T>C. VCF-style: chr14-64052258-T-C. GRCh37 (hg19) VCF-style: chr14-64518976-T-C.
Other names: c.8345T>C, p.Val2782Ala (NM_015180.6); short protein forms V2782A.
Identifiers: ClinVar variation 1374477 (VCV001374477.8), dbSNP rs201852964, ClinGen allele CA261838091.